The following is an entry in ClinVar:

NM_001130009.3(GEN1):c.161+5A>T

Gene: GEN1 (GEN1 structure-specific endonuclease; plus strand). Cytogenetic location: 2p24.2.
Variant type: single nucleotide variant.
Coding change: c.161+5A>T on transcript NM_001130009.3 (MANE Select); 5 bases into the intron after coding-DNA position 161, A replaced by T.
Molecular consequence: intron variant.
Genome position (GRCh38, 1-based): chr2:17,760,109, A>T. VCF-style: chr2-17760109-A-T. GRCh37 (hg19) VCF-style: chr2-17941376-A-T.
Other names: c.161+5A>T (NM_182625.5).
Identifiers: ClinVar variation 1396231 (VCV001396231.6), dbSNP rs201006072, ClinGen allele CA1540324.

ClinVar aggregate classification (germline): Uncertain significance (1 of 4 stars; one submission).

Allele frequency attached by ClinVar (database versions not stated): gnomAD exomes below 0.00001; ExAC 0.00001; gnomAD 0.00001; 1000 Genomes Project 30x 0.00016; 1000 Genomes Project 0.00020.
gnomAD v4.1: 20 of 1,613,522 alleles (0.0012%); highest among the groups gnomAD compares: East Asian, 0.042%; no homozygotes.

Submission:

Labcorp Genetics (formerly Invitae), Labcorp
Classification: Uncertain significance. Last evaluated: 2022-10-25. Review status: criteria provided, single submitter. Criteria: Invitae Variant Classification Sherloc (09022015). Collection method: clinical testing. Allele origin: germline.
Comment: In summary, the available evidence is currently insufficient to determine the role of this variant in disease. Therefore, it has been classified as a Variant of Uncertain Significance. Variants that disrupt the consensus splice site are a relatively common cause of aberrant splicing (PMID: 17576681, 9536098). Algorithms developed to predict the effect of sequence changes on RNA splicing suggest that this variant is not likely to affect RNA splicing. ClinVar contains an entry for this variant (Variation ID: 1396231). This variant has not been reported in the literature in individuals affected with GEN1-related conditions. This variant is present in population databases (rs201006072, gnomAD 0.006%). This sequence change falls in intron 2 of the GEN1 gene. It does not directly change the encoded amino acid sequence of the GEN1 protein. It affects a nucleotide within the consensus splice site.

Literature cited by the submitters: PubMed 17576681; PubMed 9536098.